The following is an entry in ClinVar:

ClinVar aggregate classification (germline): Uncertain significance (1 of 4 stars; one submission).

Conditions:
Hereditary cancer-predisposing syndrome. Also called: Neoplastic Syndromes, Hereditary; Tumor predisposition; Hereditary Cancer Syndrome; Hereditary neoplastic syndrome. Identifiers: Orphanet 140162, MedGen C0027672, MeSH D009386, MONDO:0015356.

Submission:

Ambry Genetics
Classification: Uncertain significance for Hereditary cancer-predisposing syndrome. Last evaluated: 2026-05-23. Review status: criteria provided, single submitter. Criteria: Ambry Variant Classification Scheme 2023. Collection method: clinical testing. Allele origin: germline.
Comment: The p.F807S variant (also known as c.2420T>C), located in coding exon 11 of the BLM gene, results from a T to C substitution at nucleotide position 2420. The phenylalanine at codon 807 is replaced by serine, an amino acid with highly dissimilar properties. This amino acid position is conserved. In addition, this alteration is predicted to be deleterious by in silico analysis. Based on the available evidence, the clinical significance of this variant remains unclear.

NM_000057.4(BLM):c.2420T>C (p.Phe807Ser)

Gene: BLM (BLM RecQ like helicase; plus strand). Cytogenetic location: 15q26.1.
Variant type: single nucleotide variant.
Coding change: c.2420T>C on transcript NM_000057.4 (MANE Select); coding-DNA position 2420, T replaced by C.
Protein change: p.Phe807Ser; replaces phenylalanine 807 with serine.
Molecular consequence: missense variant.
Genome position (GRCh38, 1-based): chr15:90,769,451, T>C. VCF-style: chr15-90769451-T-C. GRCh37 (hg19) VCF-style: chr15-91312681-T-C.
Other names: c.2420T>C, p.Phe807Ser (NM_001287246.2, NM_001287247.2); c.1295T>C, p.Phe432Ser (NM_001287248.2); short protein forms F432S, F807S.
Identifiers: ClinVar variation 4867515 (VCV004867515.1).